The following is an entry in ClinVar:

ClinVar aggregate classification (germline): Pathogenic (1 of 4 stars; one submission).

Conditions:
Primary ciliary dyskinesia 3. Identifiers: Orphanet 244, MedGen C1837618, MONDO:0012085, OMIM 608644.

Submission:

Myriad Genetics, Inc.
Classification: Pathogenic for Primary ciliary dyskinesia 3. Last evaluated: 2024-05-14. Review status: criteria provided, single submitter. Criteria: Myriad Autosomal Dominant, Autosomal Recessive and X-Linked Classification Criteria (2023). Collection method: clinical testing. Allele origin: unknown.
Comment: NM_001369.2(DNAH5):c.5274_5276del3ins16(I1758Mfs*7) is expected to be pathogenic in the context of primary ciliary dyskinesia, DNAH5-related. This variant is predicted to lead to an abnormal or absent protein product due to the creation of a premature termination codon in DNAH5, a gene where loss-of-function variants are known to be pathogenic. Please note: this variant was assessed in the context of healthy population screening.

NM_001369.3(DNAH5):c.5274_5276delinsGTGTATAAGAGACAGT (p.Ile1758fs)

Gene: DNAH5 (dynein axonemal heavy chain 5; minus strand). Cytogenetic location: 5p15.2.
Variant type: Indel.
Coding change: c.5274_5276delinsGTGTATAAGAGACAGT on transcript NM_001369.3 (MANE Select); coding-DNA positions 5274 to 5276, CTA replaced by GTGTATAAGAGACAGT.
Protein change: p.Ile1758fs; shifts the reading frame from isoleucine 1758.
Molecular consequence: frameshift variant.
Genome position (GRCh38, 1-based): chr5:13,841,900-13,841,902, TAG replaced by ACTGTCTCTTATACAC on the plus strand (CTA replaced by GTGTATAAGAGACAGT on the coding strand, the reverse complement: DNAH5 is on the minus strand). VCF-style: chr5-13841900-TAG-ACTGTCTCTTATACAC. GRCh37 (hg19) VCF-style: chr5-13842009-TAG-ACTGTCTCTTATACAC.
Other names: short protein forms I1758fs.
Identifiers: ClinVar variation 5011075 (VCV005011075.1).